The following is an entry in ClinVar:

ClinVar aggregate classification (germline): Pathogenic (1 of 4 stars; one submission).

Conditions:
Primary ciliary dyskinesia. Also called: Ciliary dyskinesia. Identifiers: Orphanet 244, MedGen C0008780, MONDO:0016575, HP:0012265.

Allele frequency attached by ClinVar (database versions not stated): gnomAD exomes below 0.00001; ExAC 0.00001.
gnomAD v4.1: 1 of 1,613,570 alleles (0.000062%); highest among the groups gnomAD compares: Non-Finnish European, 0.000085%; no homozygotes.

Submission:

Labcorp Genetics (formerly Invitae), Labcorp
Classification: Pathogenic for Primary ciliary dyskinesia. Last evaluated: 2025-12-16. Review status: criteria provided, single submitter. Criteria: Invitae Variant Classification Sherloc (09022015). Collection method: clinical testing. Allele origin: germline.
Comment: This sequence change creates a premature translational stop signal (p.Gln883*) in the CCDC40 gene. It is expected to result in an absent or disrupted protein product. Loss-of-function variants in CCDC40 are known to be pathogenic (PMID: 21131974, 22693285, 23255504). This variant is present in population databases (rs755004291, gnomAD 0.0009%). This variant has not been reported in the literature in individuals affected with CCDC40-related conditions. ClinVar contains an entry for this variant (Variation ID: 664142). For these reasons, this variant has been classified as Pathogenic.

Literature cited by the submitters: PubMed 21131974; PubMed 22693285; PubMed 23255504.

NM_017950.4(CCDC40):c.2647C>T (p.Gln883Ter)

Gene: CCDC40 (coiled-coil domain 40 molecular ruler complex subunit; plus strand). Cytogenetic location: 17q25.3.
Variant type: single nucleotide variant.
Coding change: c.2647C>T on transcript NM_017950.4 (MANE Select); coding-DNA position 2647, C replaced by T.
Protein change: p.Gln883Ter; replaces glutamine 883 with a stop codon.
Molecular consequence: nonsense.
Genome position (GRCh38, 1-based): chr17:80,088,038, C>T. VCF-style: chr17-80088038-C-T. GRCh37 (hg19) VCF-style: chr17-78061837-C-T.
Other names: c.2647C>T, p.Gln883Ter (NM_001243342.2); short protein forms Q883*.
Identifiers: ClinVar variation 664142 (VCV000664142.7), dbSNP rs755004291, ClinGen allele CA8814290.
Genomic context (GRCh38, chr17:80,088,038, plus strand): 5'-CCCCACAGCTGTCCCGCCCCCTCCCCCATGCAGGCCTCTGAGAGGGAGACCATCAAGATG[C>T]AGGACAAGCTGAACCAGCTCAGCGAGGAGAAGGCGACCCTCCTGAATCAACTGGTGGAAG-3'